The following is an entry in ClinVar:

ClinVar aggregate classification (germline): Uncertain significance. Review status: criteria provided, multiple submitters, no conflicts (2 of 4 stars). 2 submissions from 2 submitters: Uncertain significance (2). Last evaluated 2025-07-02.

Conditions:
Spermatogenic failure 18. Identifiers: MedGen C4539783, MONDO:0054615, OMIM 617576.
Ciliary dyskinesia, primary, 37 (CILD37). Also called: CILIARY DYSKINESIA, PRIMARY, 37, WITH OR WITHOUT SITUS INVERSUS. Identifiers: MedGen C4539798, MONDO:0033204, OMIM 617577.

Allele frequency attached by ClinVar (database versions not stated): gnomAD exomes 0.00001; gnomAD 0.00009; ExAC 0.00010; TOPMed 0.00010; ESP Exome Variant Server 0.00032.
gnomAD v4.1: 30 of 1,608,438 alleles (0.0019%); highest among the groups gnomAD compares: African/African-American, 0.024%; no homozygotes.

Submissions (2):

Ambry Genetics
Classification: Uncertain significance. Last evaluated: 2025-07-02. Review status: criteria provided, single submitter. Criteria: Ambry Variant Classification Scheme 2023. Collection method: clinical testing. Allele origin: germline.

Labcorp Genetics (formerly Invitae), Labcorp
Classification: Uncertain significance for Ciliary dyskinesia, primary, 37; Spermatogenic failure 18. Last evaluated: 2022-02-16. Review status: criteria provided, single submitter. Criteria: Invitae Variant Classification Sherloc (09022015). Collection method: clinical testing. Allele origin: germline.
Comment: In summary, the available evidence is currently insufficient to determine the role of this variant in disease. Therefore, it has been classified as a Variant of Uncertain Significance. Algorithms developed to predict the effect of missense changes on protein structure and function output the following: SIFT: "Tolerated"; PolyPhen-2: "Benign"; Align-GVGD: "Class C0". The asparagine amino acid residue is found in multiple mammalian species, which suggests that this missense change does not adversely affect protein function. This variant has not been reported in the literature in individuals affected with DNAH1-related conditions. This variant is present in population databases (rs369720580, gnomAD 0.04%). This sequence change replaces aspartic acid, which is acidic and polar, with asparagine, which is neutral and polar, at codon 3174 of the DNAH1 protein (p.Asp3174Asn).

NM_015512.5(DNAH1):c.9520G>A (p.Asp3174Asn)

Gene: DNAH1 (dynein axonemal heavy chain 1; plus strand). Cytogenetic location: 3p21.1.
Variant type: single nucleotide variant.
Coding change: c.9520G>A on transcript NM_015512.5 (MANE Select); coding-DNA position 9520, G replaced by A.
Protein change: p.Asp3174Asn; replaces aspartic acid 3174 with asparagine.
Molecular consequence: missense variant.
Genome position (GRCh38, 1-based): chr3:52,389,485, G>A. VCF-style: chr3-52389485-G-A. GRCh37 (hg19) VCF-style: chr3-52423501-G-A.
Other names: c.9520G>A (NM_015512.4); short protein forms D3174N.
Identifiers: ClinVar variation 2159750 (VCV002159750.4), dbSNP rs369720580, ClinGen allele CA2435561.